The following is an entry in ClinVar:

NC_000001.10:g.(?_236902582)_(237944966_?)del

Genes: ACTN2 (actinin alpha 2; plus strand), MT1HL1 (metallothionein 1H like 1; minus strand), MTR (5-methyltetrahydrofolate-homocysteine methyltransferase; plus strand), RYR2 (ryanodine receptor 2; plus strand). Cytogenetic location: 1q43.
Variant type: Deletion.
Identifiers: ClinVar variation 3247725 (VCV003247725.1).

ClinVar aggregate classification (germline): Uncertain significance (1 of 4 stars; one submission).

Conditions:
Catecholaminergic polymorphic ventricular tachycardia 1. Also called: RYR2-Related Catecholaminergic Polymorphic Ventricular Tachycardia; VENTRICULAR TACHYCARDIA, CATECHOLAMINERGIC POLYMORPHIC, 1, WITH OR WITHOUT ATRIAL DYSFUNCTION AND/OR DILATED CARDIOMYOPATHY; VENTRICULAR TACHYCARDIA, STRESS-INDUCED POLYMORPHIC 1. Identifiers: Orphanet 3286, MedGen C1631597, MONDO:0011484, OMIM 604772.

Submission:

Labcorp Genetics (formerly Invitae), Labcorp
Classification: Uncertain significance for Catecholaminergic polymorphic ventricular tachycardia 1. Last evaluated: 2023-08-19. Review status: criteria provided, single submitter. Criteria: Invitae Variant Classification Sherloc (09022015). Collection method: clinical testing. Allele origin: unknown.
Comment: In summary, the available evidence is currently insufficient to determine the role of this variant in disease. Therefore, it has been classified as a Variant of Uncertain Significance. Experimental studies and prediction algorithms are not available or were not evaluated, and the functional significance of this variant is currently unknown. This variant has not been reported in the literature in individuals affected with RYR2-related conditions. This variant is a gross deletion of the genomic region encompassing exon(s) 1-89 of the RYR2 gene, which includes the initiator codon. This deletion extends beyond the assayed region for this gene and therefore may encompass additional genes. It is expected to result in an absent or disrupted protein product. However, the current clinical and genetic evidence is not sufficient to establish whether loss-of-function variants in RYR2 cause disease.